The following is an entry in ClinVar:

ClinVar aggregate classification (germline): Uncertain significance (1 of 4 stars; one submission).

Submission:

Labcorp Genetics (formerly Invitae), Labcorp
Classification: Uncertain significance. Last evaluated: 2023-01-26. Review status: criteria provided, single submitter. Criteria: Invitae Variant Classification Sherloc (09022015). Collection method: clinical testing. Allele origin: germline.
Comment: This variant is not present in population databases (gnomAD no frequency). In summary, the available evidence is currently insufficient to determine the role of this variant in disease. Therefore, it has been classified as a Variant of Uncertain Significance. Experimental studies and prediction algorithms are not available or were not evaluated, and the functional significance of this variant is currently unknown. This variant has not been reported in the literature in individuals affected with ANKRD26-related conditions. This variant occurs in a non-coding region of the ANKRD26 gene. It does not change the encoded amino acid sequence of the ANKRD26 protein.

NM_014915.3(ANKRD26):c.-104dup

Gene: ANKRD26 (ankyrin repeat domain 26; minus strand). Cytogenetic location: 10p12.1.
Variant type: Duplication.
Coding change: c.-104dup on transcript NM_014915.3 (MANE Select); 104 bases upstream of the start codon, one base duplicated (T; older notation c.-104dupT).
Molecular consequence: 5 prime UTR variant.
Genome position (GRCh38, 1-based): chr10:27,100,430, A duplicated on the plus strand (T on the coding strand, the reverse complement: ANKRD26 is on the minus strand); the first of 3 consecutive A bases (chr10:27,100,430-27,100,432); duplicating any one gives the same sequence. VCF-style (leftmost placement, unchanged base first): chr10-27100429-C-CA. GRCh37 (hg19) VCF-style: chr10-27389358-C-CA.
Other names: c.-104dup (NM_001256053.2).
Identifiers: ClinVar variation 2995575 (VCV002995575.3), dbSNP rs1251026098, ClinGen allele CA663342945.